The following is an entry in ClinVar:

NM_004618.5(TOP3A):c.2166C>G (p.Arg722=)

Gene: TOP3A (DNA topoisomerase III alpha; minus strand). Cytogenetic location: 17p11.2.
Variant type: single nucleotide variant.
Coding change: c.2166C>G on transcript NM_004618.5 (MANE Select); coding-DNA position 2166, C replaced by G.
Protein change: p.Arg722=; no amino-acid change (arginine 722 retained).
Molecular consequence: synonymous variant.
Genome position (GRCh38, 1-based): chr17:18,278,336, G>C on the plus strand (C>G on the coding strand, the complement: TOP3A is on the minus strand). VCF-style: chr17-18278336-G-C. GRCh37 (hg19) VCF-style: chr17-18181650-G-C.
Other names: c.1881C>G, p.Arg627= (NM_001320759.2).
Identifiers: ClinVar variation 2647552 (VCV002647552.24), dbSNP rs150782687, ClinGen allele CA8429670.

ClinVar aggregate classification (germline): Likely benign (1 of 4 stars; one submission).

gnomAD v4.1: 2 of 1,513,488 alleles (0.00013%); highest among the groups gnomAD compares: East Asian, 0.0046%; no homozygotes.

Submission:

CeGaT Center for Human Genetics Tuebingen
Classification: Likely benign. Last evaluated: 2023-01-01. Review status: criteria provided, single submitter. Criteria: CeGaT Center For Human Genetics Tuebingen Variant Classification Criteria Version 2. Collection method: clinical testing. Allele origin: germline. Affected: yes. Observed: 1 variant allele.
Comment: TOP3A: BP4, BP7